The following is an entry in ClinVar:

ClinVar aggregate classification (germline): Benign. Review status: criteria provided, multiple submitters, no conflicts (2 of 4 stars). 6 submissions from 6 submitters: Benign (5). 1 of the submissions does not count toward it. Last evaluated 2026-02-03.

Conditions:
Rubinstein-Taybi syndrome due to EP300 haploinsufficiency. Also called: EP300-Related Rubinstein-Taybi Syndrome; RUBINSTEIN-TAYBI SYNDROME 2. Identifiers: Orphanet 353284, Orphanet 783, MedGen C3150941, MONDO:0013364, OMIM 613684.

Allele frequency attached by ClinVar (database versions not stated): 1000 Genomes Project 30x 0.01140; ExAC 0.02409; gnomAD 0.02418 and 0.02332; 1000 Genomes Project 0.01138; TOPMed 0.02144; gnomAD exomes 0.02375; ESP Exome Variant Server 0.02591.
gnomAD v4.1: 49,006 of 1,614,146 alleles (3%); highest among the groups gnomAD compares: Non-Finnish European, 3.5%; 883 homozygotes.

Submissions (6):

Labcorp Genetics (formerly Invitae), Labcorp
Classification: Benign for Rubinstein-Taybi syndrome due to EP300 haploinsufficiency. Last evaluated: 2026-02-03. Review status: criteria provided, single submitter. Criteria: Invitae Variant Classification Sherloc (09022015). Collection method: clinical testing. Allele origin: germline.

GeneDx
Classification: Benign. Last evaluated: 2019-10-11. Review status: criteria provided, single submitter. Criteria: GeneDx Variant Classification Process June 2021. Collection method: clinical testing. Allele origin: germline. Affected: yes.

Eurofins Ntd Llc (ga)
Classification: Benign. Last evaluated: 2013-03-07. Review status: criteria provided, single submitter. Criteria: EGL Classification Definitions 2015. Collection method: clinical testing. Allele origin: germline. Observed: 1 variant allele, 1 heterozygote.

Breakthrough Genomics
Classification: Benign. Review status: criteria provided, single submitter. Criteria: ACMG Guidelines, 2015. Collection method: not provided. Allele origin: germline. Inheritance: Autosomal dominant inheritance. Affected: yes.

PreventionGenetics, part of Exact Sciences
Classification: Benign. Review status: criteria provided, single submitter. Criteria: ACMG Guidelines, 2015. Collection method: clinical testing. Allele origin: germline.

ITMI
No classification provided. Condition: AllHighlyPenetrant. Last evaluated: 2013-09-19. Review status: no classification provided. Collection method: reference population. Allele origin: germline. Not counted in ClinVar's aggregate classification.
Comment: Please see associated publication for description of ethnicities

Literature cited by the submitters: PubMed 24728327 (cited by ITMI).

NM_001429.4(EP300):c.6668A>C (p.Gln2223Pro)

Gene: EP300 (EP300 lysine acetyltransferase; plus strand). Cytogenetic location: 22q13.2.
Variant type: single nucleotide variant.
Coding change: c.6668A>C on transcript NM_001429.4 (MANE Select); coding-DNA position 6668, A replaced by C.
Protein change: p.Gln2223Pro; replaces glutamine 2223 with proline.
Molecular consequence: missense variant.
Genome position (GRCh38, 1-based): chr22:41,178,379, A>C. VCF-style: chr22-41178379-A-C. GRCh37 (hg19) VCF-style: chr22-41574383-A-C.
Other names: c.6590A>C, p.Gln2197Pro (NM_001362843.2); short protein forms Q2223P, Q2197P.
Identifiers: ClinVar variation 93744 (VCV000093744.20), dbSNP rs1046088, ClinGen allele CA147275.